The following is an entry in ClinVar:

ClinVar aggregate classification (germline): Likely benign (1 of 4 stars; one submission).

Allele frequency attached by ClinVar (database versions not stated): gnomAD exomes 0.00001; TOPMed 0.00003; gnomAD 0.00004; ExAC 0.00009; ESP Exome Variant Server 0.00023.
gnomAD v4.1: 28 of 1,600,832 alleles (0.0017%); highest among the groups gnomAD compares: Middle Eastern, 0.017%; 1 homozygote.

Submission:

CeGaT Center for Human Genetics Tuebingen
Classification: Likely benign. Last evaluated: 2022-12-01. Review status: criteria provided, single submitter. Criteria: CeGaT Center For Human Genetics Tuebingen Variant Classification Criteria Version 2. Collection method: clinical testing. Allele origin: germline. Affected: yes. Observed: 1 variant allele.
Comment: COL22A1: BP4, BP7

NM_152888.3(COL22A1):c.216C>T (p.Pro72=)

Gene: COL22A1 (collagen type XXII alpha 1 chain; minus strand). Cytogenetic location: 8q24.23.
Variant type: single nucleotide variant.
Coding change: c.216C>T on transcript NM_152888.3 (MANE Select); coding-DNA position 216, C replaced by T.
Protein change: p.Pro72=; no amino-acid change (proline 72 retained).
Molecular consequence: synonymous variant.
Genome position (GRCh38, 1-based): chr8:138,878,192, G>A on the plus strand (C>T on the coding strand, the complement: COL22A1 is on the minus strand). VCF-style: chr8-138878192-G-A. GRCh37 (hg19) VCF-style: chr8-139890435-G-A.
Identifiers: ClinVar variation 2658853 (VCV002658853.24), dbSNP rs139880147, ClinGen allele CA4892434.